The following is an entry in ClinVar:

ClinVar aggregate classification (germline): Uncertain significance (1 of 4 stars; one submission).

Conditions:
Fanconi anemia complementation group O. Also called: RAD51C-Related Fanconi Anemia. Identifiers: Orphanet 84, MedGen C3150653, MONDO:0013248, OMIM 613390.

Submission:

Labcorp Genetics (formerly Invitae), Labcorp
Classification: Uncertain significance for Fanconi anemia complementation group O. Last evaluated: 2022-03-07. Review status: criteria provided, single submitter. Criteria: Invitae Variant Classification Sherloc (09022015). Collection method: clinical testing. Allele origin: germline.
Comment: This sequence change replaces glycine, which is neutral and non-polar, with cysteine, which is neutral and slightly polar, at codon 77 of the RAD51C protein (p.Gly77Cys). This variant is not present in population databases (gnomAD no frequency). This variant has not been reported in the literature in individuals affected with RAD51C-related conditions. Advanced modeling of protein sequence and biophysical properties (such as structural, functional, and spatial information, amino acid conservation, physicochemical variation, residue mobility, and thermodynamic stability) performed at Invitae indicates that this missense variant is expected to disrupt RAD51C protein function. In summary, the available evidence is currently insufficient to determine the role of this variant in disease. Therefore, it has been classified as a Variant of Uncertain Significance.

NM_058216.3(RAD51C):c.229G>T (p.Gly77Cys)

Gene: RAD51C (RAD51 paralog C; plus strand). Cytogenetic location: 17q22.
Variant type: single nucleotide variant.
Coding change: c.229G>T on transcript NM_058216.3 (MANE Select); coding-DNA position 229, G replaced by T.
Protein change: p.Gly77Cys; replaces glycine 77 with cysteine.
Molecular consequence: missense variant. On other transcripts: non-coding transcript variant (2).
Genome position (GRCh38, 1-based): chr17:58,695,014, G>T. VCF-style: chr17-58695014-G-T. GRCh37 (hg19) VCF-style: chr17-56772375-G-T.
Other names: c.229G>T, p.Gly77Cys (NM_002876.4); short protein forms G77C.
Identifiers: ClinVar variation 1381443 (VCV001381443.8), dbSNP rs2143720670, ClinGen allele CA400340212.